The following is an entry in ClinVar:

NM_001100.4(ACTA1):c.203C>A (p.Thr68Asn)

Gene: ACTA1 (actin alpha 1, skeletal muscle; minus strand). Cytogenetic location: 1q42.13.
Variant type: single nucleotide variant.
Coding change: c.203C>A on transcript NM_001100.4 (MANE Select); coding-DNA position 203, C replaced by A.
Protein change: p.Thr68Asn; replaces threonine 68 with asparagine.
Molecular consequence: missense variant.
Genome position (GRCh38, 1-based): chr1:229,432,807, G>T on the plus strand (C>A on the coding strand, the complement: ACTA1 is on the minus strand). VCF-style: chr1-229432807-G-T. GRCh37 (hg19) VCF-style: chr1-229568554-G-T.
Other names: short protein forms T68N.
Identifiers: ClinVar variation 3233255 (VCV003233255.2), dbSNP rs2527439283.
Genomic context (GRCh38, chr1:229,432,807, plus strand): 5'-CAGATCTTCTCCATGTCATCCCAGTTGGTGATGATGCCGTGCTCGATAGGGTACTTCAGG[G>T]TCAGGATACCTCTCTTGCTCTGAGCCTCGTCGCCCACGTAGGAATCTTTCTGACCCATAC-3'
Protein context (NP_001091.1, residues 58-78): DEAQSKRGIL[Thr68Asn]LKYPIEHGII

ClinVar aggregate classification (germline): Pathogenic (1 of 4 stars; one submission).

Conditions:
Nemaline myopathy. Also called: Myopathies, Nemaline. Identifiers: Orphanet 607, MedGen C0206157, MONDO:0018958.

Submission:

Muscle and Diseases Team, Institut de Génétique et Biologie Moléculaire et Cellulaire
Classification: Pathogenic for Nemaline myopathy. Last evaluated: 2024-03-01. Review status: criteria provided, single submitter. Criteria: ACMG Guidelines, 2015. Collection method: research. Allele origin: de novo. Affected: yes. Observed: 1 variant allele.
Comment: PS2+PM1+PM2+PP2+PP3+PP5

Literature cited by the submitters: DOI 10.1186/s13073-024-01353-0; PubMed 35810298.